The following is an entry in ClinVar:

NM_006767.4(LZTR1):c.1998C>A (p.Phe666Leu)

Gene: LZTR1 (leucine zipper like post translational regulator 1; plus strand). Cytogenetic location: 22q11.21.
Variant type: single nucleotide variant.
Coding change: c.1998C>A on transcript NM_006767.4 (MANE Select); coding-DNA position 1998, C replaced by A.
Protein change: p.Phe666Leu; replaces phenylalanine 666 with leucine.
Molecular consequence: missense variant.
Genome position (GRCh38, 1-based): chr22:20,995,801, C>A. VCF-style: chr22-20995801-C-A. GRCh37 (hg19) VCF-style: chr22-21350090-C-A.
Other names: short protein forms F666L.
Identifiers: ClinVar variation 1784085 (VCV001784085.4), dbSNP rs1924816997, ClinGen allele CA410779031.

ClinVar aggregate classification (germline): Uncertain significance. Review status: criteria provided, multiple submitters, no conflicts (2 of 4 stars). 2 submissions from 2 submitters: Uncertain significance (2). Last evaluated 2024-04-26.

Conditions:
Hereditary cancer-predisposing syndrome. Also called: Neoplastic Syndromes, Hereditary; Tumor predisposition; Hereditary Cancer Syndrome; Hereditary neoplastic syndrome. Identifiers: Orphanet 140162, MedGen C0027672, MeSH D009386, MONDO:0015356.
Cardiovascular phenotype. Identifiers: MedGen CN230736.

Submissions (2):

Labcorp Genetics (formerly Invitae), Labcorp
Classification: Uncertain significance. Last evaluated: 2024-04-26. Review status: criteria provided, single submitter. Criteria: Invitae Variant Classification Sherloc (09022015). Collection method: clinical testing. Allele origin: germline.
Comment: This sequence change replaces phenylalanine, which is neutral and non-polar, with leucine, which is neutral and non-polar, at codon 666 of the LZTR1 protein (p.Phe666Leu). This variant is not present in population databases (gnomAD no frequency). This variant has not been reported in the literature in individuals affected with LZTR1-related conditions. ClinVar contains an entry for this variant (Variation ID: 1784085). Advanced modeling of protein sequence and biophysical properties (such as structural, functional, and spatial information, amino acid conservation, physicochemical variation, residue mobility, and thermodynamic stability) performed at Invitae indicates that this missense variant is not expected to disrupt LZTR1 protein function with a negative predictive value of 80%. In summary, the available evidence is currently insufficient to determine the role of this variant in disease. Therefore, it has been classified as a Variant of Uncertain Significance.

Ambry Genetics
Classification: Uncertain significance for Cardiovascular phenotype; Hereditary cancer-predisposing syndrome. Last evaluated: 2022-07-19. Review status: criteria provided, single submitter. Criteria: Ambry Variant Classification Scheme 2023. Collection method: clinical testing. Allele origin: germline.
Comment: The p.F666L variant (also known as c.1998C>A), located in coding exon 17 of the LZTR1 gene, results from a C to A substitution at nucleotide position 1998. The phenylalanine at codon 666 is replaced by leucine, an amino acid with highly similar properties. This amino acid position is conserved. In addition, the in silico prediction for this alteration is inconclusive. Since supporting evidence is limited at this time, the clinical significance of this alteration remains unclear.